The following is an entry in ClinVar:

ClinVar aggregate classification (germline): Likely benign. Review status: criteria provided, multiple submitters, no conflicts (2 of 4 stars). 2 submissions from 2 submitters: Likely benign (2). Last evaluated 2022-12-29.

Conditions:
Nemaline myopathy 2 (NEM2). Also called: Nemaline myopathy 2, autosomal recessive. Identifiers: MedGen C1850569, MONDO:0009725, OMIM 256030.

Allele frequency attached by ClinVar (database versions not stated): gnomAD exomes below 0.00001; TOPMed below 0.00001.
gnomAD v4.1: 3 of 1,611,624 alleles (0.00019%); highest among the groups gnomAD compares: Non-Finnish European, 0.00025%; no homozygotes.

Submissions (2):

Labcorp Genetics (formerly Invitae), Labcorp
Classification: Likely benign for Nemaline myopathy 2. Last evaluated: 2022-12-29. Review status: criteria provided, single submitter. Criteria: Invitae Variant Classification Sherloc (09022015). Collection method: clinical testing. Allele origin: germline.

GeneDx
Classification: Likely benign. Last evaluated: 2018-02-27. Review status: criteria provided, single submitter. Criteria: GeneDx Variant Classification (06012015). Collection method: clinical testing. Allele origin: germline. Affected: yes.
Comment: This variant is considered likely benign or benign based on one or more of the following criteria: it is a conservative change, it occurs at a poorly conserved position in the protein, it is predicted to be benign by multiple in silico algorithms, and/or has population frequency not consistent with disease.

NM_001164508.2(NEB):c.6900A>G (p.Arg2300=)

Gene: NEB (nebulin; minus strand). Cytogenetic location: 2q23.3.
Variant type: single nucleotide variant.
Coding change: c.6900A>G on transcript NM_001164508.2 (MANE Select); coding-DNA position 6900, A replaced by G.
Protein change: p.Arg2300=; no amino-acid change (arginine 2300 retained).
Molecular consequence: synonymous variant.
Genome position (GRCh38, 1-based): chr2:151,654,007, T>C on the plus strand (A>G on the coding strand, the complement: NEB is on the minus strand). VCF-style: chr2-151654007-T-C. GRCh37 (hg19) VCF-style: chr2-152510521-T-C.
Other names: c.6900A>G, p.Arg2300= (NM_001164507.2, NM_001271208.2, NM_004543.5).
Identifiers: ClinVar variation 515561 (VCV000515561.8), dbSNP rs1553457085, ClinGen allele CA429235059.